The following is an entry in ClinVar:

ClinVar aggregate classification (germline): Uncertain significance. Review status: criteria provided, multiple submitters, no conflicts (2 of 4 stars). 2 submissions from 2 submitters: Uncertain significance (2). Last evaluated 2024-02-27.

Conditions:
Hereditary cancer-predisposing syndrome. Also called: Neoplastic Syndromes, Hereditary; Tumor predisposition; Hereditary Cancer Syndrome; Hereditary neoplastic syndrome. Identifiers: Orphanet 140162, MedGen C0027672, MeSH D009386, MONDO:0015356.

Submissions (2):

GeneDx
Classification: Uncertain significance. Last evaluated: 2024-02-27. Review status: criteria provided, single submitter. Criteria: GeneDx Variant Classification Process June 2021. Collection method: clinical testing. Allele origin: germline. Affected: yes.
Comment: Not observed at significant frequency in large population cohorts (gnomAD); In silico analysis supports that this missense variant has a deleterious effect on protein structure/function; Has not been previously published as pathogenic or benign to our knowledge

Ambry Genetics
Classification: Uncertain significance for Hereditary cancer-predisposing syndrome. Last evaluated: 2022-09-18. Review status: criteria provided, single submitter. Criteria: Ambry Variant Classification Scheme 2023. Collection method: clinical testing. Allele origin: germline.
Comment: The p.T223I variant (also known as c.668C>T), located in coding exon 5 of the CTNNA1 gene, results from a C to T substitution at nucleotide position 668. The threonine at codon 223 is replaced by isoleucine, an amino acid with similar properties. This amino acid position is conserved. In addition, this alteration is predicted to be deleterious by in silico analysis. Since supporting evidence is limited at this time, the clinical significance of this alteration remains unclear.

NM_001903.5(CTNNA1):c.668C>T (p.Thr223Ile)

Gene: CTNNA1 (catenin alpha 1; plus strand). Cytogenetic location: 5q31.2.
Variant type: single nucleotide variant.
Coding change: c.668C>T on transcript NM_001903.5 (MANE Select); coding-DNA position 668, C replaced by T.
Protein change: p.Thr223Ile; replaces threonine 223 with isoleucine.
Molecular consequence: missense variant.
Genome position (GRCh38, 1-based): chr5:138,824,609, C>T. VCF-style: chr5-138824609-C-T. GRCh37 (hg19) VCF-style: chr5-138160298-C-T.
Other names: c.668C>T, p.Thr223Ile (NM_001290307.3, NM_001323982.2, NM_001323983.1 and 3 more transcripts); c.359C>T, p.Thr120Ile (NM_001290309.3); c.299C>T, p.Thr100Ile (NM_001290310.3); c.668C>T (NM_001903.3); short protein forms T120I, T223I, T100I.
Identifiers: ClinVar variation 1754902 (VCV001754902.3), dbSNP rs2532424160, ClinGen allele CA361129654.
Genomic context (GRCh38, chr5:138,824,609, plus strand): 5'-ATCGTGATCAGATGGCTGCAGCTAGAGGAATCCTGCAGAAGAACGTTCCGATCCTCTATA[C>T]TGCATCCCAGGCATGCCTACAGCACCCTGATGTCGCAGCCTATAAGGCCAACAGGGACCT-3'
Protein context (NP_001894.2, residues 213-233): ILQKNVPILY[Thr223Ile]ASQACLQHPD